The following is an entry in ClinVar:

ClinVar aggregate classification (germline): Uncertain significance (1 of 4 stars; one submission).

Submission:

Labcorp Genetics (formerly Invitae), Labcorp
Classification: Uncertain significance. Last evaluated: 2024-02-05. Review status: criteria provided, single submitter. Criteria: Invitae Variant Classification Sherloc (09022015). Collection method: clinical testing. Allele origin: germline.
Comment: This sequence change replaces valine, which is neutral and non-polar, with isoleucine, which is neutral and non-polar, at codon 297 of the BCAT2 protein (p.Val297Ile). This variant is not present in population databases (gnomAD no frequency). This variant has not been reported in the literature in individuals affected with BCAT2-related conditions. ClinVar contains an entry for this variant (Variation ID: 2067378). Advanced modeling of protein sequence and biophysical properties (such as structural, functional, and spatial information, amino acid conservation, physicochemical variation, residue mobility, and thermodynamic stability) performed at Invitae indicates that this missense variant is not expected to disrupt BCAT2 protein function with a negative predictive value of 80%. In summary, the available evidence is currently insufficient to determine the role of this variant in disease. Therefore, it has been classified as a Variant of Uncertain Significance.

NM_001190.4(BCAT2):c.889G>A (p.Val297Ile)

Gene: BCAT2 (branched chain amino acid transaminase 2; minus strand). Cytogenetic location: 19q13.33.
Variant type: single nucleotide variant.
Coding change: c.889G>A on transcript NM_001190.4 (MANE Select); coding-DNA position 889, G replaced by A.
Protein change: p.Val297Ile; replaces valine 297 with isoleucine.
Molecular consequence: missense variant.
Genome position (GRCh38, 1-based): chr19:48,796,972, C>T on the plus strand (G>A on the coding strand, the complement: BCAT2 is on the minus strand). VCF-style: chr19-48796972-C-T. GRCh37 (hg19) VCF-style: chr19-49300229-C-T.
Other names: c.613G>A, p.Val205Ile (NM_001164773.2); c.769G>A, p.Val257Ile (NM_001284325.2); short protein forms V257I, V297I, V205I.
Identifiers: ClinVar variation 2067378 (VCV002067378.4), dbSNP rs2514084687, ClinGen allele CA406721109.